The following is an entry in ClinVar:

NM_004104.5(FASN):c.1029+4G>A

Gene: FASN (fatty acid synthase; minus strand). Cytogenetic location: 17q25.3.
Variant type: single nucleotide variant.
Coding change: c.1029+4G>A on transcript NM_004104.5 (MANE Select); 4 bases into the intron after coding-DNA position 1029, G replaced by A.
Molecular consequence: intron variant.
Genome position (GRCh38, 1-based): chr17:82,092,451, C>T on the plus strand (G>A on the coding strand, the complement: FASN is on the minus strand). VCF-style: chr17-82092451-C-T. GRCh37 (hg19) VCF-style: chr17-80050327-C-T.
Identifiers: ClinVar variation 3652095 (VCV003652095.2).

ClinVar aggregate classification (germline): Uncertain significance (1 of 4 stars; one submission).

Conditions:
Epileptic encephalopathy. Identifiers: MedGen C0543888, HP:0200134.

gnomAD v4.1: 1 of 1,567,578 alleles (0.000064%); highest among the groups gnomAD compares: South Asian, 0.0012%; no homozygotes.

Submission:

Labcorp Genetics (formerly Invitae), Labcorp
Classification: Uncertain significance for Epileptic encephalopathy. Last evaluated: 2024-05-04. Review status: criteria provided, single submitter. Criteria: Invitae Variant Classification Sherloc (09022015). Collection method: clinical testing. Allele origin: germline.
Comment: This sequence change falls in intron 8 of the FASN gene. It does not directly change the encoded amino acid sequence of the FASN protein. It affects a nucleotide within the consensus splice site. The frequency data for this variant in the population databases is considered unreliable, as metrics indicate poor data quality at this position in the gnomAD database. This variant has not been reported in the literature in individuals affected with FASN-related conditions. Variants that disrupt the consensus splice site are a relatively common cause of aberrant splicing (PMID: 17576681, 9536098). Algorithms developed to predict the effect of sequence changes on RNA splicing suggest that this variant is not likely to affect RNA splicing. In summary, the available evidence is currently insufficient to determine the role of this variant in disease. Therefore, it has been classified as a Variant of Uncertain Significance.

Literature cited by the submitters: PubMed 17576681; PubMed 9536098.